The following is an entry in ClinVar:

NM_001127222.2(CACNA1A):c.2010C>T (p.Asn670=)

Gene: CACNA1A (calcium voltage-gated channel subunit alpha1 A; minus strand). Cytogenetic location: 19p13.13.
Variant type: single nucleotide variant.
Coding change: c.2010C>T on transcript NM_001127222.2 (MANE Select); coding-DNA position 2010, C replaced by T.
Protein change: p.Asn670=; no amino-acid change (asparagine 670 retained).
Molecular consequence: synonymous variant.
Genome position (GRCh38, 1-based): chr19:13,303,861, G>A on the plus strand (C>T on the coding strand, the complement: CACNA1A is on the minus strand). VCF-style: chr19-13303861-G-A. GRCh37 (hg19) VCF-style: chr19-13414675-G-A.
Other names: c.2013C>T, p.Asn671= (NM_000068.4, NM_001127221.2, NM_001174080.2 and 1 more transcripts); c.2010C>T (NM_001127222.1).
Identifiers: ClinVar variation 589258 (VCV000589258.15), dbSNP rs779250946, ClinGen allele CA9240650.
Genomic context (GRCh38, chr19:13,303,861, plus strand): 5'-GGAGAACACCATGCCGCCCTGCACGCCCCCCTGAGACTTGATCCCGTCGTACATGACCTC[G>A]TTCCAGTCTTCGCCCGTCAGGATCTGAAAGGGGAGGAAGAAACACACAGCCAACCCCCCT-3'
Protein context (NP_001120694.1, residues 660-680): VFQILTGEDW[Asn670=]EVMYDGIKSQ

ClinVar aggregate classification (germline): Likely benign. Review status: criteria provided, multiple submitters, no conflicts (2 of 4 stars). 3 submissions from 3 submitters: Likely benign (2). 1 of the submissions does not count toward it. Last evaluated 2025-06-23.

Conditions:
CACNA1A-related disorder. Also called: CACNA1A-related condition.
Developmental and epileptic encephalopathy, 42 (DEE42A). Also called: DEVELOPMENTAL AND EPILEPTIC ENCEPHALOPATHY 42A; EPILEPTIC ENCEPHALOPATHY, EARLY INFANTILE, 42A; Epileptic encephalopathy, early infantile, 42. Identifiers: MedGen C4310716, MONDO:0014917, OMIM 617106.
Episodic ataxia type 2 (EA2). Also called: ACETAZOLAMIDE-RESPONSIVE HEREDITARY PAROXYSMAL CEREBELLAR ATAXIA; ATAXIA, EPISODIC, WITH NYSTAGMUS; ATAXIA, FAMILIAL PAROXYSMAL; CEREBELLAR ATAXIA, PAROXYSMAL, ACETAZOLAMIDE-RESPONSIVE; CEREBELLOPATHY, HEREDITARY PAROXYSMAL; EPISODIC ATAXIA, NYSTAGMUS-ASSOCIATED. Identifiers: Orphanet 97, MedGen C1720416, MONDO:0007163, OMIM 108500.
Inborn genetic diseases. Identifiers: MedGen C0950123, MeSH D030342.

Allele frequency attached by ClinVar (database versions not stated): ExAC 0.00001; gnomAD exomes 0.00001; gnomAD 0.00007 and 0.00008; TOPMed 0.00007.
gnomAD v4.1: 28 of 1,613,102 alleles (0.0017%); highest among the groups gnomAD compares: African/African-American, 0.021%; no homozygotes.

Submissions (3):

Labcorp Genetics (formerly Invitae), Labcorp
Classification: Likely benign for Developmental and epileptic encephalopathy, 42; Episodic ataxia type 2. Last evaluated: 2025-06-23. Review status: criteria provided, single submitter. Criteria: Invitae Variant Classification Sherloc (09022015). Collection method: clinical testing. Allele origin: germline.

Ambry Genetics
Classification: Likely benign for Inborn genetic diseases. Last evaluated: 2016-04-15. Review status: criteria provided, single submitter. Criteria: Ambry Variant Classification Scheme 2023. Collection method: clinical testing. Allele origin: germline.

PreventionGenetics, part of Exact Sciences
Classification: Likely benign for CACNA1A-related condition. Last evaluated: 2019-10-21. Review status: no assertion criteria provided. Collection method: clinical testing. Allele origin: germline. Not counted in ClinVar's aggregate classification.
Comment: This variant is classified as likely benign based on ACMG/AMP sequence variant interpretation guidelines (Richards et al. 2015 PMID: 25741868, with internal and published modifications).